The following is an entry in ClinVar:

NM_144991.3(TSPEAR):c.594C>G (p.Phe198Leu)

Gene: TSPEAR (thrombospondin type laminin G domain and EAR repeats; minus strand). Cytogenetic location: 21q22.3.
Variant type: single nucleotide variant.
Coding change: c.594C>G on transcript NM_144991.3 (MANE Select); coding-DNA position 594, C replaced by G.
Protein change: p.Phe198Leu; replaces phenylalanine 198 with leucine.
Molecular consequence: missense variant.
Genome position (GRCh38, 1-based): chr21:44,531,082, G>C on the plus strand (C>G on the coding strand, the complement: TSPEAR is on the minus strand). VCF-style: chr21-44531082-G-C. GRCh37 (hg19) VCF-style: chr21-45950965-G-C.
Other names: c.390C>G, p.Phe130Leu (NM_001272037.2); short protein forms F130L, F198L.
Identifiers: ClinVar variation 1712028 (VCV001712028.2), dbSNP rs150521283, ClinGen allele CA10056945.

ClinVar aggregate classification (germline): Uncertain significance (1 of 4 stars; one submission).

gnomAD v4.1: 9 of 1,613,604 alleles (0.00056%); highest among the groups gnomAD compares: Non-Finnish European, 0.00076%; no homozygotes.

Submission:

GeneDx
Classification: Uncertain significance. Last evaluated: 2022-04-19. Review status: criteria provided, single submitter. Criteria: GeneDx Variant Classification Process June 2021. Collection method: clinical testing. Allele origin: germline. Affected: yes.
Comment: Not observed at significant frequency in large population cohorts (gnomAD); In silico analysis supports that this missense variant has a deleterious effect on protein structure/function; Has not been previously published as pathogenic or benign to our knowledge